The following is an entry in ClinVar:

ClinVar aggregate classification (germline): Uncertain significance (1 of 4 stars; one submission).

gnomAD v4.1: 2 of 1,607,854 alleles (0.00012%); highest among the groups gnomAD compares: Non-Finnish European, 0.00017%; no homozygotes.

Submission:

Labcorp Genetics (formerly Invitae), Labcorp
Classification: Uncertain significance. Last evaluated: 2023-04-22. Review status: criteria provided, single submitter. Criteria: Invitae Variant Classification Sherloc (09022015). Collection method: clinical testing. Allele origin: germline.
Comment: In summary, the available evidence is currently insufficient to determine the role of this variant in disease. Therefore, it has been classified as a Variant of Uncertain Significance. This sequence change falls in intron 17 of the CLCN6 gene. It does not directly change the encoded amino acid sequence of the CLCN6 protein. This variant is not present in population databases (gnomAD no frequency). This variant has not been reported in the literature in individuals affected with CLCN6-related conditions. Algorithms developed to predict the effect of sequence changes on RNA splicing suggest that this variant may create or strengthen a splice site.

NM_001286.5(CLCN6):c.1794-18C>G

Gene: CLCN6 (chloride voltage-gated channel 6; plus strand). Cytogenetic location: 1p36.22.
Variant type: single nucleotide variant.
Coding change: c.1794-18C>G on transcript NM_001286.5 (MANE Select); 18 bases into the intron before coding-DNA position 1794, C replaced by G.
Molecular consequence: intron variant.
Genome position (GRCh38, 1-based): chr1:11,835,949, C>G. VCF-style: chr1-11835949-C-G. GRCh37 (hg19) VCF-style: chr1-11896006-C-G.
Other names: c.1728-18C>G (NM_001256959.2).
Identifiers: ClinVar variation 2858437 (VCV002858437.3), dbSNP rs201164690, ClinGen allele CA1153813691.